The following is an entry in ClinVar:

NM_024675.4(PALB2):c.1192G>C (p.Val398Leu)

Gene: PALB2 (partner and localizer of BRCA2; minus strand). Cytogenetic location: 16p12.2.
Variant type: single nucleotide variant.
Coding change: c.1192G>C on transcript NM_024675.4 (MANE Select); coding-DNA position 1192, G replaced by C.
Protein change: p.Val398Leu; replaces valine 398 with leucine.
Molecular consequence: missense variant.
Genome position (GRCh38, 1-based): chr16:23,635,354, C>G on the plus strand (G>C on the coding strand, the complement: PALB2 is on the minus strand). VCF-style: chr16-23635354-C-G. GRCh37 (hg19) VCF-style: chr16-23646675-C-G.
Other names: c.1132G>C, p.Val378Leu (NM_001407296.1); c.1192G>C, p.Val398Leu (NM_001407297.1, NM_001407298.1, NM_001407299.1 and 3 more transcripts); c.307G>C, p.Val103Leu (NM_001407304.1, NM_001407305.1, NM_001407306.1 and 5 more transcripts); short protein forms V103L, V378L, V398L.
Identifiers: ClinVar variation 1715290 (VCV001715290.9), dbSNP rs769097541, ClinGen allele CA395133282.

ClinVar aggregate classification (germline): Uncertain significance. Review status: criteria provided, multiple submitters, no conflicts (2 of 4 stars). 2 submissions from 2 submitters: Uncertain significance (2). Last evaluated 2024-12-08.

Conditions:
Hereditary cancer-predisposing syndrome. Also called: Neoplastic Syndromes, Hereditary; Tumor predisposition; Hereditary Cancer Syndrome; Hereditary neoplastic syndrome. Identifiers: Orphanet 140162, MedGen C0027672, MeSH D009386, MONDO:0015356.
Familial cancer of breast. Also called: Hereditary breast cancer; BREAST CANCER, FAMILIAL; hereditary breast carcinoma. Identifiers: Orphanet 227535, MedGen C0346153, MONDO:0016419, OMIM 114480. Disease mechanism: loss of function.

Submissions (2):

Ambry Genetics
Classification: Uncertain significance for Hereditary cancer-predisposing syndrome. Last evaluated: 2024-12-08. Review status: criteria provided, single submitter. Criteria: Ambry Variant Classification Scheme 2023. Collection method: clinical testing. Allele origin: germline.
Comment: The p.V398L variant (also known as c.1192G>C), located in coding exon 4 of the PALB2 gene, results from a G to C substitution at nucleotide position 1192. The valine at codon 398 is replaced by leucine, an amino acid with highly similar properties. This amino acid position is conserved. In addition, this alteration is predicted to be tolerated by in silico analysis. Since supporting evidence is limited at this time, the clinical significance of this alteration remains unclear.

Labcorp Genetics (formerly Invitae), Labcorp
Classification: Uncertain significance for Familial cancer of breast. Last evaluated: 2022-08-06. Review status: criteria provided, single submitter. Criteria: Invitae Variant Classification Sherloc (09022015). Collection method: clinical testing. Allele origin: germline.
Comment: Algorithms developed to predict the effect of missense changes on protein structure and function (SIFT, PolyPhen-2, Align-GVGD) all suggest that this variant is likely to be tolerated. In summary, the available evidence is currently insufficient to determine the role of this variant in disease. Therefore, it has been classified as a Variant of Uncertain Significance. This variant has not been reported in the literature in individuals affected with PALB2-related conditions. This variant is not present in population databases (gnomAD no frequency). This sequence change replaces valine, which is neutral and non-polar, with leucine, which is neutral and non-polar, at codon 398 of the PALB2 protein (p.Val398Leu).